The following is an entry in ClinVar:

ClinVar aggregate classification (germline): Pathogenic (1 of 4 stars; one submission).

Conditions:
Achondrogenesis, type IA (ACG1A). Identifiers: Orphanet 932, Orphanet 93299, MedGen C0265273, MONDO:0008701, OMIM 200600.

Submission:

Labcorp Genetics (formerly Invitae), Labcorp
Classification: Pathogenic for Achondrogenesis, type IA. Last evaluated: 2024-08-23. Review status: criteria provided, single submitter. Criteria: Invitae Variant Classification Sherloc (09022015). Collection method: clinical testing. Allele origin: germline.
Comment: This sequence change creates a premature translational stop signal (p.Gln629Argfs*3) in the TRIP11 gene. It is expected to result in an absent or disrupted protein product. Loss-of-function variants in TRIP11 are known to be pathogenic (PMID: 20089971, 23956106). This variant is not present in population databases (gnomAD no frequency). This variant has not been reported in the literature in individuals affected with TRIP11-related conditions. For these reasons, this variant has been classified as Pathogenic.

Literature cited by the submitters: PubMed 20089971; PubMed 23956106.

NM_004239.4(TRIP11):c.1886del (p.Gln629fs)

Gene: TRIP11 (thyroid hormone receptor interactor 11; minus strand). Cytogenetic location: 14q32.12.
Variant type: Deletion.
Coding change: c.1886del on transcript NM_004239.4 (MANE Select); coding-DNA position 1886, one base deleted (A; older notation c.1886delA).
Protein change: p.Gln629fs; shifts the reading frame from glutamine 629.
Molecular consequence: frameshift variant.
Genome position (GRCh38, 1-based): chr14:92,006,090, T deleted on the plus strand (A on the coding strand, the reverse complement: TRIP11 is on the minus strand). VCF-style (leftmost placement, unchanged base first): chr14-92006089-CT-C. GRCh37 (hg19) VCF-style: chr14-92472433-CT-C.
Other names: c.1883del, p.Gln628fs (NM_001321851.1); short protein forms Q629fs, Q628fs.
Identifiers: ClinVar variation 3663330 (VCV003663330.2).